The following is an entry in ClinVar:

NM_018418.5(SPATA7):c.1215G>T (p.Glu405Asp)

Gene: SPATA7 (spermatogenesis associated 7; plus strand). Cytogenetic location: 14q31.3.
Variant type: single nucleotide variant.
Coding change: c.1215G>T on transcript NM_018418.5 (MANE Select); coding-DNA position 1215, G replaced by T.
Protein change: p.Glu405Asp; replaces glutamic acid 405 with aspartic acid.
Molecular consequence: missense variant.
Genome position (GRCh38, 1-based): chr14:88,437,597, G>T. VCF-style: chr14-88437597-G-T. GRCh37 (hg19) VCF-style: chr14-88903941-G-T.
Other names: c.1119G>T, p.Glu373Asp (NM_001040428.4); short protein forms E405D, E373D.
Identifiers: ClinVar variation 427862 (VCV000427862.2), dbSNP rs768028061, ClinGen allele CA7298763.
Genomic context (GRCh38, chr14:88,437,597, plus strand): 5'-TTGTAGGTTTTTAGAACGACTGTTCGAGCGACATATAAAACAAAATAAACATTTGGAGGA[G>T]GTTTGTCTTTCCTTATAACTTCATTAGAAAAATTATAATGTAAAAATAATTGTATGGTTT-3'
Protein context (NP_060888.2, residues 395-415): RHIKQNKHLE[Glu405Asp]EKMRHLLHVL

ClinVar aggregate classification (germline): Pathogenic (0 of 4 stars; one submission).

Conditions:
Leber congenital amaurosis (LCA). Also called: Leber's amaurosis. Identifiers: Orphanet 65, MedGen C0339527, MeSH D057130, MONDO:0018998.

gnomAD v4.1: 4 of 1,605,762 alleles (0.00025%); highest among the groups gnomAD compares: Non-Finnish European, 0.00034%; no homozygotes.

Submission:

Rui Chen Lab, Baylor College of Medicine
Classification: Pathogenic for Leber congenital amaurosis. Last evaluated: 2017-05-09. Review status: no assertion criteria provided. Collection method: research. Allele origin: germline. Affected: yes.
Comment: An in vitrominigene system was used to confirm that the variant disrupts splicing